The following is an entry in ClinVar:

ClinVar aggregate classification (germline): Likely pathogenic (1 of 4 stars; one submission).

Allele frequency attached by ClinVar (database versions not stated): gnomAD exomes below 0.00001.
gnomAD v4.1: 1 of 1,613,582 alleles (0.000062%); highest among the groups gnomAD compares: Non-Finnish European, 0.000085%; no homozygotes.

Submission:

Mayo Clinic Laboratories, Mayo Clinic
Classification: Likely pathogenic. Last evaluated: 2023-05-05. Review status: criteria provided, single submitter. Criteria: ACMG Guidelines, 2015. Collection method: clinical testing. Allele origin: germline. Observed: 1 variant allele.
Comment: PM2, PVS1

NM_001355436.2(SPTB):c.4687C>T (p.Gln1563Ter)

Gene: SPTB (spectrin beta, erythrocytic; minus strand). Cytogenetic location: 14q23.3.
Variant type: single nucleotide variant.
Coding change: c.4687C>T on transcript NM_001355436.2 (MANE Select); coding-DNA position 4687, C replaced by T.
Protein change: p.Gln1563Ter; replaces glutamine 1563 with a stop codon.
Molecular consequence: nonsense.
Genome position (GRCh38, 1-based): chr14:64,775,280, G>A on the plus strand (C>T on the coding strand, the complement: SPTB is on the minus strand). VCF-style: chr14-64775280-G-A. GRCh37 (hg19) VCF-style: chr14-65241998-G-A.
Other names: p.Gln1563*; c.4687C>T, p.Gln1563Ter (NM_001024858.4, NM_001355437.2); short protein forms Q1563*.
Identifiers: ClinVar variation 2683467 (VCV002683467.1), dbSNP rs2503070978, ClinGen allele CA390043715.
Genomic context (GRCh38, chr14:64,775,280, plus strand): 5'-CGTCCCTCAGTCGCTGCAGCCTCCCGGCCGCTGCCTCCCGCAGCCTGTCCCAGGAGCTCT[G>A]CAGGTGCCCCAGGCGCTCCTCAAGGTCCTGGCAGTCGATCTCCGCCGCCTCCACCAGCTG-3'